The following is an entry in ClinVar:

NM_000044.6(AR):c.2073C>A (p.Asp691Glu)

Gene: AR (androgen receptor; plus strand). Cytogenetic location: Xq12.
Variant type: single nucleotide variant.
Coding change: c.2073C>A on transcript NM_000044.6 (MANE Select); coding-DNA position 2073, C replaced by A.
Protein change: p.Asp691Glu; replaces aspartic acid 691 with glutamic acid.
Molecular consequence: missense variant.
Genome position (GRCh38, 1-based): chrX:67,711,589, C>A. VCF-style: chrX-67711589-C-A. GRCh37 (hg19) VCF-style: chrX-66931431-C-A.
Other names: c.477C>A, p.Asp159Glu (NM_001011645.3); short protein forms D691E, D159E.
Identifiers: ClinVar variation 4788967 (VCV004788967.1).
Genomic context (GRCh38, chrX:67,711,589, plus strand): 5'-GCCCATCTTTCTGAATGTCCTGGAAGCCATTGAGCCAGGTGTAGTGTGTGCTGGACACGA[C>A]AACAACCAGCCCGACTCCTTTGCAGCCTTGCTCTCTAGCCTCAATGAACTGGGAGAGAGA-3'
Protein context (NP_000035.2, residues 681-701): IEPGVVCAGH[Asp691Glu]NNQPDSFAAL

ClinVar aggregate classification (germline): Pathogenic (1 of 4 stars; one submission).

Conditions:
Androgen resistance syndrome (AIS). Also called: ANDROGEN RECEPTOR DEFICIENCY; DIHYDROTESTOSTERONE RECEPTOR DEFICIENCY; TESTICULAR FEMINIZATION SYNDROME; DHTR DEFICIENCY; Androgen insensitivity syndrome; Androgen insensitivity. Identifiers: Orphanet 754, Orphanet 99429, MedGen C0039585, MONDO:0019154, OMIM 300068. Disease mechanism: loss of function.
Kennedy disease (SMAX1). Also called: SPINAL AND BULBAR MUSCULAR ATROPHY, X-LINKED 1; KENNEDY SPINAL AND BULBAR MUSCULAR ATROPHY; Spinal and Bulbar Muscular Atrophy. Identifiers: Orphanet 481, MedGen C1839259, MONDO:0010735, OMIM 313200.

Submission:

Labcorp Genetics (formerly Invitae), Labcorp
Classification: Pathogenic for Kennedy disease; Androgen resistance syndrome. Last evaluated: 2025-11-24. Review status: criteria provided, single submitter. Criteria: Invitae Variant Classification Sherloc (09022015). Collection method: clinical testing. Allele origin: germline.
Comment: This sequence change replaces aspartic acid, which is acidic and polar, with glutamic acid, which is acidic and polar, at codon 691 of the AR protein (p.Asp691Glu). This variant is not present in population databases (gnomAD no frequency). This missense change has been observed in individuals with partial androgen insensitivity syndrome (PMID: 30316867; internal data). Invitae Evidence Modeling of protein sequence and biophysical properties (such as structural, functional, and spatial information, amino acid conservation, physicochemical variation, residue mobility, and thermodynamic stability) indicates that this missense variant is expected to disrupt AR protein function with a positive predictive value of 95%. This variant disrupts the p.Asp691 amino acid residue in AR. Other variant(s) that disrupt this residue have been observed in individuals with AR-related conditions (PMID: 15531547, 30316867, 36708848), which suggests that this may be a clinically significant amino acid residue. For these reasons, this variant has been classified as Pathogenic.

Literature cited by the submitters: PubMed 30316867; PubMed 15531547; PubMed 36708848.